The following is an entry in ClinVar:

ClinVar aggregate classification (germline): Pathogenic (1 of 4 stars; one submission).

Conditions:
Neurofibromatosis, type 1 (NF1). Also called: VON RECKLINGHAUSEN DISEASE; NEUROFIBROMATOSIS, TYPE I, SOMATIC; Peripheral type neurofibromatosis; Neurofibromatosis, type I. Identifiers: Orphanet 636, MedGen C0027831, MONDO:0018975, OMIM 162200. Disease mechanism: loss of function.

Submission:

Labcorp Genetics (formerly Invitae), Labcorp
Classification: Pathogenic for Neurofibromatosis, type 1. Last evaluated: 2023-08-16. Review status: criteria provided, single submitter. Criteria: Invitae Variant Classification Sherloc (09022015). Collection method: clinical testing. Allele origin: germline.
Comment: For these reasons, this variant has been classified as Pathogenic. This variant has not been reported in the literature in individuals affected with NF1-related conditions. This variant is not present in population databases (gnomAD no frequency). This sequence change creates a premature translational stop signal (p.Val870Serfs*3) in the NF1 gene. It is expected to result in an absent or disrupted protein product. Loss-of-function variants in NF1 are known to be pathogenic (PMID: 10712197, 23913538).

Literature cited by the submitters: PubMed 10712197; PubMed 23913538.

NM_001042492.3(NF1):c.2607dup (p.Val870fs)

Gene: NF1 (neurofibromin 1; plus strand). Cytogenetic location: 17q11.2.
Variant type: Duplication.
Coding change: c.2607dup on transcript NM_001042492.3 (MANE Select); coding-DNA position 2607, one base duplicated (A; older notation c.2607dupA).
Protein change: p.Val870fs; shifts the reading frame from valine 870.
Molecular consequence: frameshift variant.
Genome position (GRCh38, 1-based): chr17:31,229,222, A duplicated. VCF-style (leftmost placement, unchanged base first): chr17-31229221-C-CA. GRCh37 (hg19) VCF-style: chr17-29556239-C-CA.
Other names: c.2607dup, p.Val870Serfs (NM_000267.4); short protein forms V870fs.
Identifiers: ClinVar variation 2752768 (VCV002752768.3), dbSNP rs2508185233, ClinGen allele CA2697559730.